The following is an entry in ClinVar:

NM_000368.5(TSC1):c.2377A>G (p.Ser793Gly)

Gene: TSC1 (TSC complex subunit 1; minus strand). Cytogenetic location: 9q34.13.
Variant type: single nucleotide variant.
Coding change: c.2377A>G on transcript NM_000368.5 (MANE Select); coding-DNA position 2377, A replaced by G.
Protein change: p.Ser793Gly; replaces serine 793 with glycine.
Molecular consequence: missense variant. On other transcripts: non-coding transcript variant (5).
Genome position (GRCh38, 1-based): chr9:132,902,619, T>C on the plus strand (A>G on the coding strand, the complement: TSC1 is on the minus strand). VCF-style: chr9-132902619-T-C. GRCh37 (hg19) VCF-style: chr9-135778006-T-C.
Other names: c.2377A>G, p.Ser793Gly (NM_001406596.1, NM_001406605.1, NM_001406606.1 and 5 more transcripts); c.2374A>G, p.Ser792Gly (NM_001406597.1, NM_001406598.1, NM_001406599.1 and 4 more transcripts); c.2224A>G, p.Ser742Gly (NM_001406610.1, NM_001162427.2); c.2221A>G, p.Ser741Gly (NM_001406611.1, NM_001406612.1, NM_001406613.1); c.2014A>G, p.Ser672Gly (NM_001406614.1, NM_001406615.1, NM_001406616.1 and 5 more transcripts); c.2362A>G, p.Ser788Gly (NM_001406601.1, NM_001406602.1); c.2359A>G, p.Ser787Gly (NM_001406603.1, NM_001406604.1); c.2011A>G, p.Ser671Gly (NM_001406620.1, NM_001406621.1, NM_001406622.1 and 2 more transcripts); and 3 more; short protein forms S475G, S672G, S742G, S788G, S793G, S671G, S741G, S787G.
Identifiers: ClinVar variation 4554685 (VCV004554685.2).

ClinVar aggregate classification (germline): Uncertain significance. Review status: criteria provided, multiple submitters, no conflicts (2 of 4 stars). 2 submissions from 2 submitters: Uncertain significance (2). Last evaluated 2025-12-22.

Conditions:
Tuberous sclerosis 1 (TSC1). Identifiers: Orphanet 805, MedGen C1854465, MONDO:0008612, OMIM 191100.
Hereditary cancer-predisposing syndrome. Also called: Tumor predisposition; Hereditary Cancer Syndrome; Neoplastic Syndromes, Hereditary; Hereditary neoplastic syndrome. Identifiers: Orphanet 140162, MedGen C0027672, MeSH D009386, MONDO:0015356.

Submissions (2):

Labcorp Genetics (formerly Invitae), Labcorp
Classification: Uncertain significance for Tuberous sclerosis 1. Last evaluated: 2025-12-22. Review status: criteria provided, single submitter. Criteria: Invitae Variant Classification Sherloc (09022015). Collection method: clinical testing. Allele origin: germline.
Comment: This sequence change replaces serine, which is neutral and polar, with glycine, which is neutral and non-polar, at codon 793 of the TSC1 protein (p.Ser793Gly). This variant is not present in population databases (gnomAD no frequency). This variant has not been reported in the literature in individuals affected with TSC1-related conditions. Invitae Evidence Modeling of protein sequence and biophysical properties (such as structural, functional, and spatial information, amino acid conservation, physicochemical variation, residue mobility, and thermodynamic stability) indicates that this missense variant is not expected to disrupt TSC1 protein function with a negative predictive value of 95%. In summary, the available evidence is currently insufficient to determine the role of this variant in disease. Therefore, it has been classified as a Variant of Uncertain Significance.

Ambry Genetics
Classification: Uncertain significance for Hereditary cancer-predisposing syndrome. Last evaluated: 2025-12-07. Review status: criteria provided, single submitter. Criteria: Ambry Variant Classification Scheme 2023. Collection method: clinical testing. Allele origin: germline.
Comment: The p.S793G variant (also known as c.2377A>G), located in coding exon 16 of the TSC1 gene, results from an A to G substitution at nucleotide position 2377. The serine at codon 793 is replaced by glycine, an amino acid with similar properties. This amino acid position is conserved. In addition, this alteration is predicted to be tolerated by in silico analysis. Based on the available evidence, the clinical significance of this variant remains unclear.